The following is an entry in ClinVar:

NM_005120.3(MED12):c.6342G>A (p.Gln2114=)

Gene: MED12 (mediator complex subunit 12; plus strand). Cytogenetic location: Xq13.1.
Variant type: single nucleotide variant.
Coding change: c.6342G>A on transcript NM_005120.3 (MANE Select); coding-DNA position 6342, G replaced by A.
Protein change: p.Gln2114=; no amino-acid change (glutamine 2114 retained).
Molecular consequence: synonymous variant.
Genome position (GRCh38, 1-based): chrX:71,141,304, G>A. VCF-style: chrX-71141304-G-A. GRCh37 (hg19) VCF-style: chrX-70361154-G-A.
Identifiers: ClinVar variation 4821082 (VCV004821082.4).

ClinVar aggregate classification (germline): Likely benign (1 of 4 stars; one submission).

gnomAD v4.1: 1 of 1,164,043 alleles (0.000086%); highest among the groups gnomAD compares: South Asian, 0.0019%; no homozygotes.

Submission:

CeGaT Center for Human Genetics Tuebingen
Classification: Likely benign. Last evaluated: 2026-01-01. Review status: criteria provided, single submitter. Criteria: CeGaT Center For Human Genetics Tuebingen Variant Classification Criteria Version 2. Collection method: clinical testing. Allele origin: germline. Affected: yes. Observed: 1 variant allele.
Comment: MED12: BP4, BP7